The following is an entry in ClinVar:

NM_000077.5(CDKN2A):c.190C>T (p.Leu64=)

Gene: CDKN2A (cyclin dependent kinase inhibitor 2A; minus strand). Cytogenetic location: 9p21.3.
Variant type: single nucleotide variant.
Coding change: c.190C>T on transcript NM_000077.5; coding-DNA position 190, C replaced by T.
Protein change: p.Leu64=; no amino-acid change (leucine 64 retained).
Molecular consequence: synonymous variant (on NM_000077.6). On other transcripts: missense variant (1), 3 prime UTR variant (1).
Genome position (GRCh38, 1-based): chr9:21,971,169, G>A on the plus strand (C>T on the coding strand, the complement: CDKN2A is on the minus strand). VCF-style: chr9-21971169-G-A. GRCh37 (hg19) VCF-style: chr9-21971168-G-A.
Other names: c.190C>T, p.Leu64= (NM_000077.6, NM_001195132.2); c.37C>T, p.Leu13= (NM_001363763.2); c.233C>T, p.Ala78Val (NM_058195.4); c.*113C>T (NM_058197.5); short protein forms A78V.
Identifiers: ClinVar variation 1332610 (VCV001332610.3), dbSNP rs2131096124, ClinGen allele CA373086367.
Genomic context (GRCh38, chr9:21,971,169, plus strand): 5'-CGTGCACGGGTCGGGTGAGAGTGGCGGGGTCGGCGCAGTTGGGCTCCGCGCCGTGGAGCA[G>A]CAGCAGCTCCGCCACTCGGGCGCTGCCCATCATCATGACCTGCCAGAGAGAACAGAATGG-3'
Protein context (NP_000068.1, residues 54-74): MGSARVAELL[Leu64=]LHGAEPNCAD

ClinVar aggregate classification (germline): Conflicting classifications of pathogenicity. Review status: criteria provided, conflicting classifications (1 of 4 stars). 2 submissions from 2 submitters: Uncertain significance (1); Likely benign (1). Last evaluated 2026-03-04.

Conditions:
Hereditary cancer-predisposing syndrome. Also called: Neoplastic Syndromes, Hereditary; Tumor predisposition; Hereditary neoplastic syndrome; Hereditary Cancer Syndrome. Identifiers: Orphanet 140162, MedGen C0027672, MeSH D009386, MONDO:0015356.

Allele frequency attached by ClinVar (database versions not stated): gnomAD exomes below 0.00001.
gnomAD v4.1: 1 of 1,595,736 alleles (0.000063%); highest among the groups gnomAD compares: Non-Finnish European, 0.000085%; no homozygotes.

Submissions (2):

Ambry Genetics
Classification: Uncertain significance for Hereditary cancer-predisposing syndrome. Last evaluated: 2026-03-04. Review status: criteria provided, single submitter. Criteria: Ambry Variant Classification Scheme 2023. Collection method: clinical testing. Allele origin: germline.
Comment: The c.190C>T variant (also known as p.L64L), located in coding exon 2 of the CDKN2A gene, results from a C to T substitution at nucleotide position 190 and does not change the amino acid at position 64 of the p16 isoform. Of note, this variant is also known as p.A78V (c.233C>T) in the p14(ARF) isoform and results from a alanine to valine substitution at amino acid position 78. The evidence supporting a relationship between p14(ARF) and melanoma-pancreatic cancer syndrome is limited; therefore, the association of this variant with this gene-disease relationship is unknown. However, the association of this variant in the p16 isoform with melanoma-pancreatic cancer syndrome is unlikely.

Color Diagnostics, LLC DBA Color Health
Classification: Likely benign for Hereditary cancer-predisposing syndrome. Last evaluated: 2021-05-17. Review status: criteria provided, single submitter. Criteria: ACMG Guidelines, 2015. Collection method: clinical testing. Allele origin: germline.